The following is an entry in ClinVar:

NM_016222.4(DDX41):c.24G>T (p.Arg8=)

Gene: DDX41 (DEAD-box helicase 41; minus strand). Cytogenetic location: 5q35.3.
Variant type: single nucleotide variant.
Coding change: c.24G>T on transcript NM_016222.4 (MANE Select); coding-DNA position 24, G replaced by T.
Protein change: p.Arg8=; no amino-acid change (arginine 8 retained).
Molecular consequence: synonymous variant. On other transcripts: 5 prime UTR variant (2).
Genome position (GRCh38, 1-based): chr5:177,516,922, C>A on the plus strand (G>T on the coding strand, the complement: DDX41 is on the minus strand). VCF-style: chr5-177516922-C-A. GRCh37 (hg19) VCF-style: chr5-176943923-C-A.
Other names: c.-632G>T (NM_001321732.2); c.-424G>T (NM_001321830.2); c.24G>T (NM_016222.2).
Identifiers: ClinVar variation 2730453 (VCV002730453.4), dbSNP rs756668931, ClinGen allele CA3585434.

ClinVar aggregate classification (germline): Conflicting classifications of pathogenicity. Review status: criteria provided, conflicting classifications (1 of 4 stars). 2 submissions from 2 submitters: Uncertain significance (1); Likely benign (1). Last evaluated 2024-12-13.

Conditions:
Inborn genetic diseases. Identifiers: MedGen C0950123, MeSH D030342.

Allele frequency attached by ClinVar (database versions not stated): ExAC 0.00001.

Submissions (2):

Ambry Genetics
Classification: Likely benign for Inborn genetic diseases. Last evaluated: 2024-12-13. Review status: criteria provided, single submitter. Criteria: Ambry Variant Classification Scheme 2023. Collection method: clinical testing. Allele origin: germline.

Labcorp Genetics (formerly Invitae), Labcorp
Classification: Uncertain significance. Last evaluated: 2023-10-16. Review status: criteria provided, single submitter. Criteria: Invitae Variant Classification Sherloc (09022015). Collection method: clinical testing. Allele origin: germline.
Comment: This sequence change affects codon 8 of the DDX41 mRNA. It is a 'silent' change, meaning that it does not change the encoded amino acid sequence of the DDX41 protein. This variant is present in population databases (rs756668931, gnomAD 0.002%). This variant has not been reported in the literature in individuals affected with DDX41-related conditions. Algorithms developed to predict the effect of sequence changes on RNA splicing suggest that this variant may create or strengthen a splice site. In summary, the available evidence is currently insufficient to determine the role of this variant in disease. Therefore, it has been classified as a Variant of Uncertain Significance.